The following is an entry in ClinVar:

ClinVar aggregate classification (germline): Uncertain significance (1 of 4 stars; one submission).

Conditions:
Fibrous dysplasia of jaw (CRBM). Also called: Cherubism. Identifiers: Orphanet 184, MedGen C0008029, MONDO:0007315, OMIM 118400.

Allele frequency attached by ClinVar (database versions not stated): gnomAD exomes below 0.00001.
gnomAD v4.1: 2 of 1,613,414 alleles (0.00012%); highest among the groups gnomAD compares: South Asian, 0.0011%; no homozygotes.

Submission:

Labcorp Genetics (formerly Invitae), Labcorp
Classification: Uncertain significance for Fibrous dysplasia of jaw. Last evaluated: 2022-10-03. Review status: criteria provided, single submitter. Criteria: Invitae Variant Classification Sherloc (09022015). Collection method: clinical testing. Allele origin: germline.
Comment: This variant has not been reported in the literature in individuals affected with SH3BP2-related conditions. This variant is not present in population databases (gnomAD no frequency). This sequence change replaces proline, which is neutral and non-polar, with leucine, which is neutral and non-polar, at codon 303 of the SH3BP2 protein (p.Pro303Leu). Advanced modeling of protein sequence and biophysical properties (such as structural, functional, and spatial information, amino acid conservation, physicochemical variation, residue mobility, and thermodynamic stability) performed at Invitae indicates that this missense variant is not expected to disrupt SH3BP2 protein function. In summary, the available evidence is currently insufficient to determine the role of this variant in disease. Therefore, it has been classified as a Variant of Uncertain Significance.

NM_001122681.2(SH3BP2):c.908C>T (p.Pro303Leu)

Gene: SH3BP2 (SH3 domain binding protein 2; plus strand). Cytogenetic location: 4p16.3.
Variant type: single nucleotide variant.
Coding change: c.908C>T on transcript NM_001122681.2 (MANE Select); coding-DNA position 908, C replaced by T.
Protein change: p.Pro303Leu; replaces proline 303 with leucine.
Molecular consequence: missense variant.
Genome position (GRCh38, 1-based): chr4:2,829,814, C>T. VCF-style: chr4-2829814-C-T. GRCh37 (hg19) VCF-style: chr4-2831541-C-T.
Other names: c.992C>T, p.Pro331Leu (NM_001145855.2); c.1079C>T, p.Pro360Leu (NM_001145856.2); c.908C>T, p.Pro303Leu (NM_003023.4); short protein forms P303L, P331L, P360L.
Identifiers: ClinVar variation 1720879 (VCV001720879.5), dbSNP rs2530350066, ClinGen allele CA356056368.